The following is an entry in ClinVar:

NM_000045.4(ARG1):c.272del (p.Gly91fs)

Genes: ARG1 (arginase 1; plus strand), MED23 (mediator complex subunit 23; minus strand). Cytogenetic location: 6q23.2.
Variant type: Deletion.
Coding change: c.272del on transcript NM_000045.4 (MANE Select); coding-DNA position 272, one base deleted (G; older notation c.272delG).
Protein change: p.Gly91fs; shifts the reading frame from glycine 91.
Molecular consequence: frameshift variant. On other transcripts: non-coding transcript variant (1), intron variant (2).
Genome position (GRCh38, 1-based): chr6:131,579,252, G deleted; the last of 2 consecutive G bases (chr6:131,579,251-131,579,252); deleting either gives the same sequence. VCF-style (leftmost placement, unchanged base first): chr6-131579250-CG-C. GRCh37 (hg19) VCF-style: chr6-131900390-CG-C.
Other names: c.296del, p.Gly99fs (NM_001244438.2); c.272del, p.Gly91fs (NM_001369020.1); c.4078-4956del (NM_001270521.2); c.4096-4956del (NM_015979.4); short protein forms G91fs, G99fs.
Identifiers: ClinVar variation 1072006 (VCV001072006.6), dbSNP rs796051923, ClinGen allele CA570508538.
Genomic context (GRCh38, chr6:131,579,250, plus strand): 5'-AAGGTCTGTGGGAAAAGCAAGCGAGCAGCTGGCTGGCAAGGTGGCAGAAGTCAAGAAGAA[CG>C]GAAGAATCAGCCTGGTGCTGGGCGGAGACCACAGGTCTTGTTGAATAACTGTGTCTATGG-3'

ClinVar aggregate classification (germline): Pathogenic (1 of 4 stars; one submission).

Conditions:
Arginase deficiency. Also called: ARGININEMIA; ARG1 DEFICIENCY; Arginase 1 Deficiency. Identifiers: Orphanet 90, MedGen C0268548, MONDO:0008814, OMIM 207800.

Submission:

Labcorp Genetics (formerly Invitae), Labcorp
Classification: Pathogenic for Arginase deficiency. Last evaluated: 2025-11-03. Review status: criteria provided, single submitter. Criteria: Invitae Variant Classification Sherloc (09022015). Collection method: clinical testing. Allele origin: germline.
Comment: This sequence change creates a premature translational stop signal (p.Gly91Glufs*43) in the ARG1 gene. It is expected to result in an absent or disrupted protein product. Loss-of-function variants in ARG1 are known to be pathogenic (PMID: 7649538, 12052859). This variant is present in population databases (no rsID available, gnomAD 0.003%). This variant has not been reported in the literature in individuals affected with ARG1-related conditions. ClinVar contains an entry for this variant (Variation ID: 1072006). For these reasons, this variant has been classified as Pathogenic.

Literature cited by the submitters: PubMed 7649538; PubMed 12052859.